The following is an entry in ClinVar:

ClinVar aggregate classification (germline): Uncertain significance (1 of 4 stars; one submission).

Conditions:
Inborn genetic diseases. Identifiers: MedGen C0950123, MeSH D030342.

Submission:

Ambry Genetics
Classification: Uncertain significance for Inborn genetic diseases. Last evaluated: 2026-07-26. Review status: criteria provided, single submitter. Criteria: Ambry Variant Classification Scheme 2023. Collection method: clinical testing. Allele origin: germline.
Comment: The p.C818F variant (also known as c.2453G>T), located in coding exon 20 of the DNMT3A gene, results from a G to T substitution at nucleotide position 2453. The cysteine at codon 818 is replaced by phenylalanine, an amino acid with highly dissimilar properties. This amino acid position is conserved. In addition, this alteration is predicted to be deleterious by in silico analysis. Based on the available evidence, the clinical significance of this variant remains unclear.

NM_022552.5(DNMT3A):c.2453G>T (p.Cys818Phe)

Gene: DNMT3A (DNA methyltransferase 3 alpha; minus strand). Cytogenetic location: 2p23.3.
Variant type: single nucleotide variant.
Coding change: c.2453G>T on transcript NM_022552.5 (MANE Select); coding-DNA position 2453, G replaced by T.
Protein change: p.Cys818Phe; replaces cysteine 818 with phenylalanine.
Molecular consequence: missense variant. On other transcripts: non-coding transcript variant (1).
Genome position (GRCh38, 1-based): chr2:25,236,961, C>A on the plus strand (G>T on the coding strand, the complement: DNMT3A is on the minus strand). VCF-style: chr2-25236961-C-A. GRCh37 (hg19) VCF-style: chr2-25459830-C-A.
Other names: c.1997G>T, p.Cys666Phe (NM_001320893.1); c.1784G>T, p.Cys595Phe (NM_001375819.1); c.1886G>T, p.Cys629Phe (NM_153759.3); c.2453G>T, p.Cys818Phe (NM_175629.2); short protein forms C595F, C629F, C666F, C818F.
Identifiers: ClinVar variation 5035510 (VCV005035510.1).